The following is an entry in ClinVar:

NM_020366.4(RPGRIP1):c.3111C>G (p.Tyr1037Ter)

Gene: RPGRIP1 (RPGR interacting protein 1; plus strand). Cytogenetic location: 14q11.2.
Variant type: single nucleotide variant.
Coding change: c.3111C>G on transcript NM_020366.4 (MANE Select); coding-DNA position 3111, C replaced by G.
Protein change: p.Tyr1037Ter; replaces tyrosine 1037 with a stop codon.
Molecular consequence: nonsense.
Genome position (GRCh38, 1-based): chr14:21,330,260, C>G. VCF-style: chr14-21330260-C-G. GRCh37 (hg19) VCF-style: chr14-21798419-C-G.
Other names: c.1089C>G, p.Tyr363Ter (NM_001377523.1); c.2037C>G, p.Tyr679Ter (NM_001377948.1); c.1197C>G, p.Tyr399Ter (NM_001377949.1); c.1086C>G, p.Tyr362Ter (NM_001377950.1); c.591C>G, p.Tyr197Ter (NM_001377951.1); short protein forms Y197*, Y1037*, Y362*, Y399*, Y363*, Y679*.
Identifiers: ClinVar variation 4786811 (VCV004786811.1).
Genomic context (GRCh38, chr14:21,330,260, plus strand): 5'-AAAACCAAGATATTACCAGCTATGTAGTATTGTTGTTCTTATTCTGAAGCAGGTGAATTA[C>G]ACTGAGTGGAAGTTCTCAGAGACTAACAGCTTCATAGGTGATGGCTTTAAAAATCAGCAC-3'

ClinVar aggregate classification (germline): Pathogenic (1 of 4 stars; one submission).

Conditions:
Leber congenital amaurosis 6 (LCA6). Identifiers: Orphanet 65, MedGen C1854260, MONDO:0013446, OMIM 613826.
Cone-rod dystrophy 13 (CORD13). Identifiers: Orphanet 1872, MedGen C2750720, MONDO:0011987, OMIM 608194.

Submission:

Labcorp Genetics (formerly Invitae), Labcorp
Classification: Pathogenic for Leber congenital amaurosis 6; Cone-rod dystrophy 13. Last evaluated: 2025-12-01. Review status: criteria provided, single submitter. Criteria: Invitae Variant Classification Sherloc (09022015). Collection method: clinical testing. Allele origin: germline.
Comment: This sequence change creates a premature translational stop signal (p.Tyr1037*) in the RPGRIP1 gene. It is expected to result in an absent or disrupted protein product. Loss-of-function variants in RPGRIP1 are known to be pathogenic (PMID: 11528500, 23105016). This variant is not present in population databases (gnomAD no frequency). This variant has not been reported in the literature in individuals affected with RPGRIP1-related conditions. Algorithms developed to predict the effect of sequence changes on RNA splicing suggest that this variant may disrupt the consensus splice site. For these reasons, this variant has been classified as Pathogenic.

Literature cited by the submitters: PubMed 11528500; PubMed 23105016.